The following is an entry in ClinVar:

NM_001749.4(CAPNS1):c.711C>T (p.Asp237=)

Gene: CAPNS1 (calpain small subunit 1; plus strand). Cytogenetic location: 19q13.12.
Variant type: single nucleotide variant.
Coding change: c.711C>T on transcript NM_001749.4 (MANE Select); coding-DNA position 711, C replaced by T.
Protein change: p.Asp237=; no amino-acid change (aspartic acid 237 retained).
Molecular consequence: synonymous variant.
Genome position (GRCh38, 1-based): chr19:36,146,302, C>T. VCF-style: chr19-36146302-C-T. GRCh37 (hg19) VCF-style: chr19-36637204-C-T.
Other names: c.711C>T, p.Asp237= (NM_001003962.3, NM_001302632.2); c.375C>T, p.Asp125= (NM_001302633.2).
Identifiers: ClinVar variation 3024742 (VCV003024742.22), dbSNP rs145643977, ClinGen allele CA9397617.

ClinVar aggregate classification (germline): Likely benign (1 of 4 stars; one submission).

Allele frequency attached by ClinVar (database versions not stated): 1000 Genomes Project 30x 0.00078; 1000 Genomes Project 0.00100; ESP Exome Variant Server 0.00192; TOPMed 0.00198; gnomAD exomes 0.00279; gnomAD 0.00285; ExAC 0.00329.
gnomAD v4.1: 4,524 of 1,609,430 alleles (0.28%); highest among the groups gnomAD compares: Non-Finnish European, 0.29%; 16 homozygotes.

Submission:

CeGaT Center for Human Genetics Tuebingen
Classification: Likely benign. Last evaluated: 2026-06-01. Review status: criteria provided, single submitter. Criteria: CeGaT Center For Human Genetics Tuebingen Variant Classification Criteria Version 2. Collection method: clinical testing. Allele origin: germline. Affected: yes. Observed: 2 variant alleles.
Comment: CAPNS1: BP4, BP7, BS2